The following is an entry in ClinVar:

NM_015910.7(WDPCP):c.1228C>T (p.Pro410Ser)

Gene: WDPCP (WD repeat containing planar cell polarity effector; minus strand). Cytogenetic location: 2p15.
Variant type: single nucleotide variant.
Coding change: c.1228C>T on transcript NM_015910.7 (MANE Select); coding-DNA position 1228, C replaced by T.
Protein change: p.Pro410Ser; replaces proline 410 with serine.
Molecular consequence: missense variant. On other transcripts: non-coding transcript variant (3).
Genome position (GRCh38, 1-based): chr2:63,404,255, G>A on the plus strand (C>T on the coding strand, the complement: WDPCP is on the minus strand). VCF-style: chr2-63404255-G-A. GRCh37 (hg19) VCF-style: chr2-63631390-G-A.
Other names: c.751C>T, p.Pro251Ser (NM_001042692.3); c.1156C>T, p.Pro386Ser (NM_001354044.2); c.1228C>T, p.Pro410Ser (NM_001354045.2); short protein forms P251S, P386S, P410S.
Identifiers: ClinVar variation 3349745 (VCV003349745.1).

ClinVar aggregate classification (germline): Uncertain significance (0 of 4 stars; one submission).

Conditions:
WDPCP-related disorder. Also called: WDPCP-related condition.

gnomAD v4.1: 1 of 1,613,540 alleles (0.000062%); highest among the groups gnomAD compares: Non-Finnish European, 0.000085%; no homozygotes.

Submission:

PreventionGenetics, part of Exact Sciences
Classification: Uncertain significance for WDPCP-related condition. Last evaluated: 2024-01-29. Review status: no assertion criteria provided. Collection method: clinical testing. Allele origin: germline.
Comment: The WDPCP c.1228C>T variant is predicted to result in the amino acid substitution p.Pro410Ser. To our knowledge, this variant has not been reported in the literature or in a large population database, indicating this variant is rare. At this time, the clinical significance of this variant is uncertain due to the absence of conclusive functional and genetic evidence.